The following is an entry in ClinVar:

NM_000202.8(IDS):c.679A>G (p.Lys227Glu)

Genes: IDS (iduronate 2-sulfatase; minus strand), LOC106050102 (IDS recombination region; plus strand). Cytogenetic location: Xq28.
Variant type: single nucleotide variant.
Coding change: c.679A>G on transcript NM_000202.8 (MANE Select); coding-DNA position 679, A replaced by G.
Protein change: p.Lys227Glu; replaces lysine 227 with glutamic acid.
Molecular consequence: missense variant. On other transcripts: non-coding transcript variant (1).
Genome position (GRCh38, 1-based): chrX:149,498,136, T>C on the plus strand (A>G on the coding strand, the complement: IDS is on the minus strand). VCF-style: chrX-149498136-T-C. GRCh37 (hg19) VCF-style: chrX-148579667-T-C.
Other names: c.409A>G, p.Lys137Glu (NM_001166550.4); c.679A>G, p.Lys227Glu (NM_006123.5); short protein forms K137E, K227E.
Identifiers: ClinVar variation 3255798 (VCV003255798.3).
Genomic context (GRCh38, chrX:149,498,136, plus strand): 5'-GTGCTGGATCAGCCCTCAACCAGCTCTTCACCTTGGGGTATCTGAAGGGGATGTGTGGCT[T>C]ATGATACCCAACGGCCAGGAAGAAAGGACTGGCTGACGTTTTCATCTTTTCCAACAACTG-3'
Protein context (NP_000193.1, residues 217-237): SPFFLAVGYH[Lys227Glu]PHIPFRYPKE

ClinVar aggregate classification (germline): Conflicting classifications of pathogenicity. Review status: criteria provided, conflicting classifications (1 of 4 stars). 2 submissions from 2 submitters: Likely pathogenic (1); Uncertain significance (1). Last evaluated 2025-09-24.

Conditions:
Mucopolysaccharidosis, MPS-II (MPS2). Also called: Hunter Syndrome; IDURONATE 2-SULFATASE DEFICIENCY; Mucopolysaccharidosis Type II; Mucopolysaccharidosis type 2; Attenuated MPS (subtype; formerly known as mild MPS II); Severe MPS II. Identifiers: Orphanet 580, Orphanet 79388, MedGen C0026705, MONDO:0010674, OMIM 309900.

Submissions (2):

Genesolutions, Medical Genetics Institutes, Ho Chi Minh City, Vietnam
Classification: Uncertain significance for Mucopolysaccharidosis, MPS-II. Last evaluated: 2025-09-24. Review status: criteria provided, single submitter. Criteria: ACMG Guidelines, 2015. Collection method: clinical testing. Allele origin: germline. Affected: yes.

Laboratory of Diagnosis and Therapy of Lysosomal Disorders, University of Padova
Classification: Likely pathogenic for Mucopolysaccharidosis, MPS-II. Last evaluated: 2024-06-07. Review status: criteria provided, single submitter. Criteria: ACMG Guidelines, 2015. Collection method: literature only. Allele origin: germline. Affected: yes. Observed: 1 variant allele.
Comment: Absent from controls (or at low frequency) in gnomAD database (PM2_Moderate), Missense variant in a gene with a low rate of benign missense variation (PP2_Supporting), Multiple lines of computational evidence support a deleterious effect (PP3_Supporting), Patient’s phenotype or family history highly specific for the disease (PP4_Strong)

Classification method: ACMG Guidelines [PMID:25741868] with modifications

Literature cited by the submitters: PubMed 18500569 (cited by Laboratory of Diagnosis and Therapy of Lysosomal Disorders, University of Padova).